The following is an entry in ClinVar:

NM_006379.5(SEMA3C):c.1294A>G (p.Ile432Val)

Gene: SEMA3C (semaphorin 3C; minus strand). Cytogenetic location: 7q21.11.
Variant type: single nucleotide variant.
Coding change: c.1294A>G on transcript NM_006379.5 (MANE Select); coding-DNA position 1294, A replaced by G.
Protein change: p.Ile432Val; replaces isoleucine 432 with valine.
Molecular consequence: missense variant.
Genome position (GRCh38, 1-based): chr7:80,789,366, T>C on the plus strand (A>G on the coding strand, the complement: SEMA3C is on the minus strand). VCF-style: chr7-80789366-T-C. GRCh37 (hg19) VCF-style: chr7-80418682-T-C.
Other names: c.1348A>G, p.Ile450Val (NM_001350120.2); c.1120A>G, p.Ile374Val (NM_001350121.2); short protein forms I374V, I432V, I450V.
Identifiers: ClinVar variation 4994085 (VCV004994085.1).

ClinVar aggregate classification (germline): Uncertain significance (1 of 4 stars; one submission).

Conditions:
SEMA3C-related disorder. Also called: SEMA3C-related condition.

gnomAD v4.1: 2 of 1,613,968 alleles (0.00012%); highest among the groups gnomAD compares: African/African-American, 0.0013%; no homozygotes.

Submission:

PreventionGenetics, part of Exact Sciences
Classification: Uncertain significance for SEMA3C-related condition. Last evaluated: 2025-12-09. Review status: criteria provided, single submitter. Criteria: ACMG Guidelines, 2015. Collection method: clinical testing. Allele origin: germline.
Comment: The SEMA3C c.1348A>G variant is predicted to result in the amino acid substitution p.Ile450Val. To our knowledge, this variant has not been reported in the literature. This variant is reported in 0.011% of alleles in individuals of African descent in gnomAD. At this time, the clinical significance of this variant is uncertain due to the absence of conclusive functional and genetic evidence.